The following is an entry in ClinVar:

NM_018076.5(ODAD2):c.198A>C (p.Ser66=)

Genes: ODAD2 (outer dynein arm docking complex subunit 2; minus strand), LOC126860891 (CDK7 strongly-dependent group 2 enhancer GRCh37_chr10:28283413-28284612; plus strand). Cytogenetic location: 10p12.1.
Variant type: single nucleotide variant.
Coding change: c.198A>C on transcript NM_018076.5 (MANE Select); coding-DNA position 198, A replaced by C.
Protein change: p.Ser66=; no amino-acid change (serine 66 retained).
Molecular consequence: synonymous variant.
Genome position (GRCh38, 1-based): chr10:27,994,945, T>G on the plus strand (A>C on the coding strand, the complement: ODAD2 is on the minus strand). VCF-style: chr10-27994945-T-G. GRCh37 (hg19) VCF-style: chr10-28283874-T-G.
Other names: c.198A>C, p.Ser66= (NM_001290020.2); c.198A>C (NM_018076.4).
Identifiers: ClinVar variation 417170 (VCV000417170.32), dbSNP rs143338979, ClinGen allele CA5453890.

ClinVar aggregate classification (germline): Benign/Likely benign. Review status: criteria provided, multiple submitters, no conflicts (2 of 4 stars). 5 submissions from 5 submitters: Benign (1); Likely benign (3). 1 of the submissions does not count toward it. Last evaluated 2026-02-01.

Conditions:
ODAD2-related disorder. Also called: ODAD2-related condition.
Primary ciliary dyskinesia 23 (CILD23). Also called: CILIARY DYSKINESIA, PRIMARY, 23, WITH OR WITHOUT SITUS INVERSUS. Identifiers: Orphanet 244, MedGen C3809548, MONDO:0014193, OMIM 615451.
Primary ciliary dyskinesia. Also called: Ciliary dyskinesia. Identifiers: Orphanet 244, MedGen C0008780, MONDO:0016575, HP:0012265.

Allele frequency attached by ClinVar (database versions not stated): gnomAD 0.00076; 1000 Genomes Project 30x 0.00078; 1000 Genomes Project 0.00080; ESP Exome Variant Server 0.00085; TOPMed 0.00096; gnomAD exomes 0.00160.
gnomAD v4.1: 2,494 of 1,614,204 alleles (0.15%); highest among the groups gnomAD compares: Non-Finnish European, 0.18%; 2 homozygotes.

Submissions (5):

Labcorp Genetics (formerly Invitae), Labcorp
Classification: Benign for Primary ciliary dyskinesia 23. Last evaluated: 2026-02-01. Review status: criteria provided, single submitter. Criteria: Invitae Variant Classification Sherloc (09022015). Collection method: clinical testing. Allele origin: germline.

Blueprint Genetics
Classification: Likely benign. Last evaluated: 2024-08-21. Review status: criteria provided, single submitter. Criteria: ACMG Guidelines, 2015. Collection method: clinical testing. Allele origin: germline.

CeGaT Center for Human Genetics Tuebingen
Classification: Likely benign. Last evaluated: 2024-08-01. Review status: criteria provided, single submitter. Criteria: CeGaT Center For Human Genetics Tuebingen Variant Classification Criteria Version 2. Collection method: clinical testing. Allele origin: germline. Affected: yes. Observed: 1 variant allele.
Comment: ODAD2: BP4, BP7

Ambry Genetics
Classification: Likely benign for Primary ciliary dyskinesia. Last evaluated: 2016-09-14. Review status: criteria provided, single submitter. Criteria: Ambry Variant Classification Scheme 2023. Collection method: clinical testing. Allele origin: germline.

PreventionGenetics, part of Exact Sciences
Classification: Likely benign for ODAD2-related condition. Last evaluated: 2020-01-20. Review status: no assertion criteria provided. Collection method: clinical testing. Allele origin: germline. Not counted in ClinVar's aggregate classification.
Comment: This variant is classified as likely benign based on ACMG/AMP sequence variant interpretation guidelines (Richards et al. 2015 PMID: 25741868, with internal and published modifications).